The following is an entry in ClinVar:

NM_175914.5(HNF4A):c.217T>C (p.Ser73Pro)

Gene: HNF4A (hepatocyte nuclear factor 4 alpha; plus strand). Cytogenetic location: 20q13.12.
Variant type: single nucleotide variant.
Coding change: c.217T>C on transcript NM_175914.5 (MANE Select); coding-DNA position 217, T replaced by C.
Protein change: p.Ser73Pro; replaces serine 73 with proline.
Molecular consequence: missense variant.
Genome position (GRCh38, 1-based): chr20:44,406,225, T>C. VCF-style: chr20-44406225-T-C. GRCh37 (hg19) VCF-style: chr20-43034865-T-C.
Other names: c.283T>C, p.Ser95Pro (NM_000457.6, NM_178849.3, NM_178850.3); c.217T>C, p.Ser73Pro (NM_001030003.3, NM_001030004.3); c.262T>C, p.Ser88Pro (NM_001258355.2); c.208T>C, p.Ser70Pro (NM_001287182.2, NM_001287183.2, NM_001287184.2); short protein forms S70P, S73P, S88P, S95P.
Identifiers: ClinVar variation 4527608 (VCV004527608.1).

ClinVar aggregate classification (germline): Uncertain significance (1 of 4 stars; one submission).

gnomAD v4.1: 1 of 1,613,172 alleles (0.000062%); no homozygotes.

Submission:

GeneDx
Classification: Uncertain significance. Last evaluated: 2025-04-23. Review status: criteria provided, single submitter. Criteria: GeneDx Variant Classification Process June 2021. Collection method: clinical testing. Allele origin: germline. Affected: yes.
Comment: Not observed at significant frequency in large population cohorts (gnomAD); In silico analysis supports that this missense variant has a deleterious effect on protein structure/function; Has not been previously published as pathogenic or benign to our knowledge; This variant is associated with the following publications: (PMID: 18829458)